The following is an entry in ClinVar:

ClinVar aggregate classification (germline): Uncertain significance (1 of 4 stars; one submission).

Conditions:
DICER1-related tumor predisposition. Also called: DICER1 syndrome; DICER1-related pleuropulmonary blastoma cancer predisposition syndrome. Identifiers: Orphanet 284343, MedGen C3839822, MONDO:0100216.

Submission:

Labcorp Genetics (formerly Invitae), Labcorp
Classification: Uncertain significance for DICER1-related tumor predisposition. Last evaluated: 2022-09-05. Review status: criteria provided, single submitter. Criteria: Invitae Variant Classification Sherloc (09022015). Collection method: clinical testing. Allele origin: germline.
Comment: In summary, the available evidence is currently insufficient to determine the role of this variant in disease. Therefore, it has been classified as a Variant of Uncertain Significance. Variants that disrupt the consensus splice site are a relatively common cause of aberrant splicing (PMID: 17576681, 9536098). Algorithms developed to predict the effect of sequence changes on RNA splicing suggest that this variant is not likely to affect RNA splicing. This variant has not been reported in the literature in individuals affected with DICER1-related conditions. This variant is not present in population databases (gnomAD no frequency). This sequence change falls in intron 23 of the DICER1 gene. It does not directly change the encoded amino acid sequence of the DICER1 protein. It affects a nucleotide within the consensus splice site.

Literature cited by the submitters: PubMed 17576681; PubMed 9536098.

NM_177438.3(DICER1):c.5095+6G>T

Gene: DICER1 (dicer 1, ribonuclease III; minus strand). Cytogenetic location: 14q32.13.
Variant type: single nucleotide variant.
Coding change: c.5095+6G>T on transcript NM_177438.3 (MANE Select); 6 bases into the intron after coding-DNA position 5095, G replaced by T.
Molecular consequence: intron variant. On other transcripts: nonsense (5).
Genome position (GRCh38, 1-based): chr14:95,095,819, C>A on the plus strand (G>T on the coding strand, the complement: DICER1 is on the minus strand). VCF-style: chr14-95095819-C-A. GRCh37 (hg19) VCF-style: chr14-95562156-C-A.
Other names: c.5101G>T, p.Glu1701Ter (NM_001395692.1, NM_001395693.1, NM_001395694.1 and 1 more transcripts); c.4696G>T, p.Glu1566Ter (NM_001395696.1); c.5095+6G>T (NM_001291628.2, NM_030621.4, NM_001395677.1 and 8 more transcripts); c.4690+6G>T (NM_001395690.1, NM_001395687.1, NM_001395689.1 and 1 more transcripts); c.4813+6G>T (NM_001395686.1); c.4528+6G>T (NM_001395691.1); c.3412+6G>T (NM_001395697.1); short protein forms E1566*, E1701*.
Identifiers: ClinVar variation 1918689 (VCV001918689.5), dbSNP rs760384855, ClinGen allele CA2580088941.
Genomic context (GRCh38, chr14:95,095,819, plus strand): 5'-CAACACGATGAGATCAACACAAAGTCTCATTTTCCCAGAAATGAAGTCTGGTCGTGGGCT[C>A]CTTACCAGTGATAGTATTGTAGTGGTAGGAGGCATGTGTAAAAGCCTGGAGAAGGTAAGC-3'